The following is an entry in ClinVar:

ClinVar aggregate classification (germline): Conflicting classifications of pathogenicity. Review status: criteria provided, conflicting classifications (1 of 4 stars). 3 submissions from 3 submitters: Uncertain significance (2); Likely benign (1). Last evaluated 2023-03-23.

Conditions:
Hereditary breast ovarian cancer syndrome. Also called: BRCA1- and BRCA2-Associated Hereditary Breast and Ovarian Cancer; Hereditary breast and ovarian cancer syndrome; Hereditary breast and ovarian cancer; Hereditary breast and ovarian cancer syndrome (HBOC); Breast and ovarian cancer; Hereditary breast and/or ovarian cancer syndrome. Identifiers: Orphanet 145, MedGen C0677776, MeSH D061325, MONDO:0003582. Disease mechanism: loss of function.
Hereditary cancer-predisposing syndrome. Also called: Neoplastic Syndromes, Hereditary; Tumor predisposition; Hereditary Cancer Syndrome; Hereditary neoplastic syndrome. Identifiers: Orphanet 140162, MedGen C0027672, MeSH D009386, MONDO:0015356.

Submissions (3):

University of Washington Department of Laboratory Medicine, University of Washington
Classification: Likely benign for Hereditary cancer-predisposing syndrome. Last evaluated: 2023-03-23. Review status: criteria provided, single submitter. Criteria: Dines et al. (Genet Med. 2020). Collection method: curation. Allele origin: germline.
Comment: Missense variant in a coldspot region where missense variants are very unlikely to be pathogenic (PMID:31911673).

BRCA1 coldspot (exon 11 using historical exon numbering). Reclassification based on statistical prior probability

Labcorp Genetics (formerly Invitae), Labcorp
Classification: Uncertain significance for Hereditary breast ovarian cancer syndrome. Last evaluated: 2021-02-23. Review status: criteria provided, single submitter. Criteria: Invitae Variant Classification Sherloc (09022015). Collection method: clinical testing. Allele origin: germline.
Comment: This sequence change replaces lysine with arginine at codon 576 of the BRCA1 protein (p.Lys576Arg). The lysine residue is moderately conserved and there is a small physicochemical difference between lysine and arginine. This variant is not present in population databases (ExAC no frequency). This variant has not been reported in the literature in individuals with BRCA1-related conditions. ClinVar contains an entry for this variant (Variation ID: 920445). Advanced modeling of protein sequence and biophysical properties (such as structural, functional, and spatial information, amino acid conservation, physicochemical variation, residue mobility, and thermodynamic stability) performed at Invitae indicates that this missense variant is not expected to disrupt BRCA1 protein function. In summary, the available evidence is currently insufficient to determine the role of this variant in disease. Therefore, it has been classified as a Variant of Uncertain Significance.

Color Diagnostics, LLC DBA Color Health
Classification: Uncertain significance for Hereditary cancer-predisposing syndrome. Last evaluated: 2019-05-03. Review status: criteria provided, single submitter. Criteria: ACMG Guidelines, 2015. Collection method: clinical testing. Allele origin: germline.

NM_007294.4(BRCA1):c.1727A>G (p.Lys576Arg)

Gene: BRCA1 (BRCA1 DNA repair associated; minus strand). Cytogenetic location: 17q21.31.
Variant type: single nucleotide variant.
Coding change: c.1727A>G on transcript NM_007294.4 (MANE Select); coding-DNA position 1727, A replaced by G.
Protein change: p.Lys576Arg; replaces lysine 576 with arginine.
Molecular consequence: missense variant. On other transcripts: intron variant (137).
Genome position (GRCh38, 1-based): chr17:43,093,804, T>C on the plus strand (A>G on the coding strand, the complement: BRCA1 is on the minus strand). VCF-style: chr17-43093804-T-C. GRCh37 (hg19) VCF-style: chr17-41245821-T-C.
Other names: c.661+940A>G (NM_001408447.1, NM_001408433.1, NM_001408446.1 and 6 more transcripts); c.1727A>G, p.Lys576Arg (NM_001407626.1, NM_001407858.1, NM_001407859.1 and 30 more transcripts); c.1724A>G, p.Lys575Arg (NM_001407631.1, NM_001407628.1, NM_001407629.1 and 22 more transcripts); c.784+940A>G (NM_001407986.1, NM_001407972.1, NM_001408400.1 and 13 more transcripts); c.664+940A>G (NM_001408441.1, NM_001408436.1, NM_001408444.1 and 12 more transcripts); c.1526A>G, p.Lys509Arg (NM_001407862.1); c.1604A>G, p.Lys535Arg (NM_001407863.1, NM_001407919.1, NM_001407937.1 and 19 more transcripts); c.1523A>G, p.Lys508Arg (NM_001407874.1, NM_001407875.1); and 40 more; short protein forms K576R, K529R, K280R, K408R, K488R, K535R, K575R, K465R.
Identifiers: ClinVar variation 920445 (VCV000920445.13), dbSNP rs2053893835, ClinGen allele CA10598576.
Genomic context (GRCh38, chr17:43,093,804, plus strand): 5'-AGTTCCATATTGCTTATACTGCTGCTTATAGGTTCAGCTTTCGTTTTGAAAGCAGATTCT[T>C]TTTCGAGTGATTCTATTGGGTTAGGATTTTTCTCATTCTGAATAGAATCACCTTTTGTTT-3'
Protein context (NP_009225.1, residues 566-586): KNPNPIESLE[Lys576Arg]ESAFKTKAEP